The following is an entry in ClinVar:

ClinVar aggregate classification (germline): Likely benign. Review status: criteria provided, multiple submitters, no conflicts (2 of 4 stars). 3 submissions from 3 submitters: Likely benign (3). Last evaluated 2026-03-03.

Conditions:
Inborn genetic diseases. Identifiers: MedGen C0950123, MeSH D030342.

gnomAD v4.1: 428 of 1,613,864 alleles (0.027%); highest among the groups gnomAD compares: Non-Finnish European, 0.03%; no homozygotes.

Submissions (3):

Women's Health and Genetics/Laboratory Corporation of America, LabCorp
Classification: Likely benign. Last evaluated: 2026-03-03. Review status: criteria provided, single submitter. Criteria: LabCorp Variant Classification Summary - May 2015. Collection method: clinical testing. Allele origin: germline.
Comment: Variant summary: TRIO c.6200A>T (p.Lys2067Met) results in a non-conservative amino acid change in the encoded protein sequence. Algorithms developed to predict the effect of missense changes on protein structure and function all suggest that this variant is likely to be disruptive. The variant allele was found at a frequency of 0.00013 in 251084 control chromosomes. To our knowledge, no occurrence of c.6200A>T in individuals affected with TRIO-related conditions and no experimental evidence demonstrating its impact on protein function have been reported. ClinVar contains an entry for this variant (Variation ID: 3461678). Based on the evidence outlined above, the variant was classified as likely benign.

CeGaT Center for Human Genetics Tuebingen
Classification: Likely benign. Last evaluated: 2025-09-01. Review status: criteria provided, single submitter. Criteria: CeGaT Center For Human Genetics Tuebingen Variant Classification Criteria Version 2. Collection method: clinical testing. Allele origin: germline. Affected: yes. Observed: 2 variant alleles.
Comment: TRIO: BS1

Ambry Genetics
Classification: Likely benign for Inborn genetic diseases. Last evaluated: 2024-07-16. Review status: criteria provided, single submitter. Criteria: Ambry Variant Classification Scheme 2023. Collection method: clinical testing. Allele origin: germline.

NM_007118.4(TRIO):c.6200A>T (p.Lys2067Met)

Gene: TRIO (trio Rho guanine nucleotide exchange factor; plus strand). Cytogenetic location: 5p15.2.
Variant type: single nucleotide variant.
Coding change: c.6200A>T on transcript NM_007118.4 (MANE Select); coding-DNA position 6200, A replaced by T.
Protein change: p.Lys2067Met; replaces lysine 2067 with methionine.
Molecular consequence: missense variant. On other transcripts: non-coding transcript variant (1).
Genome position (GRCh38, 1-based): chr5:14,479,307, A>T. VCF-style: chr5-14479307-A-T. GRCh37 (hg19) VCF-style: chr5-14479416-A-T.
Other names: short protein forms K2067M.
Identifiers: ClinVar variation 3461678 (VCV003461678.12).
Genomic context (GRCh38, chr5:14,479,307, plus strand): 5'-TTTTTTATTCCTAGGAGAGAAGGTTGCACATGTACATAGCTTATTGTCAAAATAAACCAA[A>T]GTCTGAGCACATTGTCTCAGAATACATTGATACCTTTTTTGAGGTAAGACCTAAGATACA-3'
Protein context (NP_009049.2, residues 2057-2077): MYIAYCQNKP[Lys2067Met]SEHIVSEYID